The following is an entry in ClinVar:

NM_001290043.2(TAP2):c.815del (p.Leu272fs)

Gene: TAP2 (transporter 2, ATP binding cassette subfamily B member; minus strand). Cytogenetic location: 6p21.32.
Variant type: Deletion.
Coding change: c.815del on transcript NM_001290043.2 (MANE Select); coding-DNA position 815, one base deleted (T; older notation c.815delT).
Protein change: p.Leu272fs; shifts the reading frame from leucine 272.
Molecular consequence: frameshift variant.
Genome position (GRCh38, 1-based): chr6:32,835,284, A deleted on the plus strand (T on the coding strand, the reverse complement: TAP2 is on the minus strand); the first of 2 consecutive A bases (chr6:32,835,284-32,835,285); deleting either gives the same sequence. VCF-style (leftmost placement, unchanged base first): chr6-32835283-CA-C. GRCh37 (hg19) VCF-style: chr6-32803060-CA-C.
Other names: c.815del, p.Leu272fs (NM_000544.3, NM_018833.3); short protein forms L272fs.
Identifiers: ClinVar variation 2164746 (VCV002164746.4), dbSNP rs1769342165, ClinGen allele CA1087610360.

ClinVar aggregate classification (germline): Pathogenic (1 of 4 stars; one submission).

Conditions:
MHC class I deficiency. Identifiers: Orphanet 34592, MedGen C6024714, MONDO:0011476.

Submission:

Labcorp Genetics (formerly Invitae), Labcorp
Classification: Pathogenic for MHC class I deficiency 1. Last evaluated: 2023-10-22. Review status: criteria provided, single submitter. Criteria: Invitae Variant Classification Sherloc (09022015). Collection method: clinical testing. Allele origin: germline.
Comment: This sequence change creates a premature translational stop signal (p.Leu272Cysfs*5) in the TAP2 gene. It is expected to result in an absent or disrupted protein product. Loss-of-function variants in TAP2 are known to be pathogenic (PMID: 7517574, 11529920, 12067308, 23662797). This variant is not present in population databases (gnomAD no frequency). This variant has not been reported in the literature in individuals affected with TAP2-related conditions. ClinVar contains an entry for this variant (Variation ID: 2164746). For these reasons, this variant has been classified as Pathogenic.

Literature cited by the submitters: PubMed 7517574; PubMed 11529920; PubMed 12067308; PubMed 23662797.